The following is an entry in ClinVar:

NC_000012.12:g.121641076C>T

Gene: ORAI1 (ORAI calcium release-activated calcium modulator 1; plus strand). Cytogenetic location: 12q24.31.
Variant type: single nucleotide variant.
Genome position: GRCh38 VCF-style: chr12-121641076-C-T. GRCh37 (hg19) VCF-style: chr12-122078982-C-T.
Other names: c.339C>T, p.His113= (NM_032790.4).
Identifiers: ClinVar variation 1110866 (VCV001110866.27), dbSNP rs782071653, ClinGen allele CA6837474.

ClinVar aggregate classification (germline): Likely benign. Review status: criteria provided, multiple submitters, no conflicts (2 of 4 stars). 2 submissions from 2 submitters: Likely benign (2). Last evaluated 2024-11-04.

Conditions:
Myopathy, tubular aggregate, 2 (TAM2). Identifiers: MedGen C4014557, MONDO:0014383, OMIM 615883.
Combined immunodeficiency due to ORAI1 deficiency. Also called: IMMUNODEFICIENCY 9. Identifiers: Orphanet 169090, Orphanet 317428, MedGen C2748568, MONDO:0013007, OMIM 612782.

Allele frequency attached by ClinVar (database versions not stated): ExAC 0.00001; gnomAD exomes 0.00001 and 0.00003; gnomAD 0.00002; TOPMed 0.00003.

Submissions (2):

Labcorp Genetics (formerly Invitae), Labcorp
Classification: Likely benign for Myopathy, tubular aggregate, 2; Combined immunodeficiency due to ORAI1 deficiency. Last evaluated: 2024-11-04. Review status: criteria provided, single submitter. Criteria: Invitae Variant Classification Sherloc (09022015). Collection method: clinical testing. Allele origin: germline.

CeGaT Center for Human Genetics Tuebingen
Classification: Likely benign. Last evaluated: 2024-06-01. Review status: criteria provided, single submitter. Criteria: CeGaT Center For Human Genetics Tuebingen Variant Classification Criteria Version 2. Collection method: clinical testing. Allele origin: germline. Affected: yes. Observed: 1 variant allele.
Comment: ORAI1: BP4, BP7